The following is an entry in ClinVar:

NM_138477.4(CDAN1):c.2174G>A (p.Arg725Gln)

Gene: CDAN1 (codanin 1; minus strand). Cytogenetic location: 15q15.2.
Variant type: single nucleotide variant.
Coding change: c.2174G>A on transcript NM_138477.4 (MANE Select); coding-DNA position 2174, G replaced by A.
Protein change: p.Arg725Gln; replaces arginine 725 with glutamine.
Molecular consequence: missense variant.
Genome position (GRCh38, 1-based): chr15:42,730,598, C>T on the plus strand (G>A on the coding strand, the complement: CDAN1 is on the minus strand). VCF-style: chr15-42730598-C-T. GRCh37 (hg19) VCF-style: chr15-43022796-C-T.
Other names: c.2174G>A, p.Arg725Gln (LRG_1164t1); short protein forms R725Q.
Identifiers: ClinVar variation 618004 (VCV000618004.13), dbSNP rs962870388, ClinGen allele CA269904702.

ClinVar aggregate classification (germline): Uncertain significance. Review status: criteria provided, multiple submitters, no conflicts (2 of 4 stars). 3 submissions from 3 submitters: Uncertain significance (3). Last evaluated 2026-01-25.

Conditions:
Anemia, congenital dyserythropoietic, type 1a (CDAN1A). Also called: DYSERYTHROPOIETIC ANEMIA, CONGENITAL, TYPE Ia; CDAN1-Related Congenital Dyserythropoietic Anemia. Identifiers: MedGen C5574667, MONDO:0009135, OMIM 224120.

Allele frequency attached by ClinVar (database versions not stated): gnomAD exomes below 0.00001 and 0.00001; gnomAD 0.00001; TOPMed 0.00002.
gnomAD v4.1: 6 of 1,614,002 alleles (0.00037%); highest among the groups gnomAD compares: Admixed American, 0.0033%; no homozygotes.

Submissions (4):

Labcorp Genetics (formerly Invitae), Labcorp
Classification: Uncertain significance. Last evaluated: 2026-01-25. Review status: criteria provided, single submitter. Criteria: Invitae Variant Classification Sherloc (09022015). Collection method: clinical testing. Allele origin: germline.
Comment: This sequence change replaces arginine, which is basic and polar, with glutamine, which is neutral and polar, at codon 725 of the CDAN1 protein (p.Arg725Gln). This variant also falls at the last nucleotide of exon 14, which is part of the consensus splice site for this exon. This variant is present in population databases (no rsID available, gnomAD 0.006%). This missense change has been observed in individual(s) with dyserythropoietic anemia type 1 (PMID: 29599085). ClinVar contains an entry for this variant (Variation ID: 618004). An algorithm developed to predict the effect of missense changes on protein structure and function (PolyPhen-2) suggests that this variant is likely to be disruptive. Variants that disrupt the consensus splice site are a relatively common cause of aberrant splicing (PMID: 17576681, 9536098). This variant disrupts the p.Arg725 amino acid residue in CDAN1. Other variant(s) that disrupt this residue have been determined to be pathogenic (PMID: 16141353, 16754775, 28102861, 29901818, 33401150). This suggests that this residue is clinically significant, and that variants that disrupt this residue are likely to be disease-causing. In summary, the available evidence is currently insufficient to determine the role of this variant in disease. Therefore, it has been classified as a Variant of Uncertain Significance.

CENTOGENE GmbH and LLC - Guiding Precision Medicine
Classification: Uncertain significance for Anemia, congenital dyserythropoietic, type 1a. Last evaluated: 2019-05-21. Review status: criteria provided, single submitter. Criteria: ACMG Guidelines, 2015. Collection method: clinical testing. Allele origin: germline. Affected: yes.

ARUP Laboratories, Molecular Genetics and Genomics, ARUP Laboratories
Classification: Uncertain significance. Last evaluated: 2017-08-31. Review status: criteria provided, single submitter. Criteria: ARUP Molecular Germline Variant Investigation Process. Collection method: clinical testing. Allele origin: germline.
Comment: The germline c.2174G>A; p.Arg725Gln variant has not been previously reported in medical literature, gene specific variant databases or previously identified in our laboratory. However, another variant located in the neighboring nucleotide, c.2173C>T; Of note, the c.2174G>A variant is located in the last nucleotide of exon 14 but splice prediction programs suggest only a small change at the splice donor site. Based on the available information, the clinical significance of the rare p.Arg725Gln variant cannot be determined with certainty.

Dr. Peter K. Rogan Lab, Western University
No classification provided (evidence only). Condition: Uterine corpus endometrial carcinoma. Review status: no classification provided. Collection method: in vitro. Allele origin: not applicable. Functional consequence: retained intron. Not counted in ClinVar's aggregate classification.

Literature cited by the submitters: PubMed 29599085 (cited by Labcorp Genetics (formerly Invitae), Labcorp); PubMed 17576681 (cited by Labcorp Genetics (formerly Invitae), Labcorp); PubMed 9536098 (cited by Labcorp Genetics (formerly Invitae), Labcorp); PubMed 16141353 (cited by Labcorp Genetics (formerly Invitae), Labcorp); PubMed 16754775 (cited by Labcorp Genetics (formerly Invitae), Labcorp); PubMed 28102861 (cited by Labcorp Genetics (formerly Invitae), Labcorp); PubMed 29901818 (cited by Labcorp Genetics (formerly Invitae), Labcorp); PubMed 33401150 (cited by Labcorp Genetics (formerly Invitae), Labcorp).